The following is an entry in ClinVar:

NM_000211.5(ITGB2):c.1904A>T (p.Glu635Val)

Gene: ITGB2 (integrin subunit beta 2; minus strand). Cytogenetic location: 21q22.3.
Variant type: single nucleotide variant.
Coding change: c.1904A>T on transcript NM_000211.5 (MANE Select); coding-DNA position 1904, A replaced by T.
Protein change: p.Glu635Val; replaces glutamic acid 635 with valine.
Molecular consequence: missense variant.
Genome position (GRCh38, 1-based): chr21:44,888,869, T>A on the plus strand (A>T on the coding strand, the complement: ITGB2 is on the minus strand). VCF-style: chr21-44888869-T-A. GRCh37 (hg19) VCF-style: chr21-46308784-T-A.
Other names: c.1904A>T (NM_000211.3); c.1904A>T, p.Glu635Val (NM_001127491.3); c.1697A>T, p.Glu566Val (NM_001303238.2); short protein forms E566V, E635V.
Identifiers: ClinVar variation 846433 (VCV000846433.9), dbSNP rs374132330, ClinGen allele CA10062637.

ClinVar aggregate classification (germline): Uncertain significance. Review status: criteria provided, multiple submitters, no conflicts (2 of 4 stars). 3 submissions from 3 submitters: Uncertain significance (3). Last evaluated 2025-01-03.

Conditions:
Inborn genetic diseases. Identifiers: MedGen C0950123, MeSH D030342.
Leukocyte adhesion deficiency 1 (LAD1). Also called: LAD 1; Lymphocyte function-associated antigen 1 immunodeficiency; LFA 1 immunodeficiency; LEUKOCYTE ADHESION DEFICIENCY, TYPE I. Identifiers: Orphanet 2968, Orphanet 99842, MedGen C0398738, MONDO:0007293, OMIM 116920.

Allele frequency attached by ClinVar (database versions not stated): ExAC 0.00001; gnomAD 0.00001; gnomAD exomes 0.00001; TOPMed 0.00002; ESP Exome Variant Server 0.00008.
gnomAD v4.1: 8 of 1,607,682 alleles (0.0005%); highest among the groups gnomAD compares: African/African-American, 0.004%; no homozygotes.

Submissions (3):

Ambry Genetics
Classification: Uncertain significance for Inborn genetic diseases. Last evaluated: 2025-01-03. Review status: criteria provided, single submitter. Criteria: Ambry Variant Classification Scheme 2023. Collection method: clinical testing. Allele origin: germline.

Blueprint Genetics
Classification: Uncertain significance. Last evaluated: 2024-10-24. Review status: criteria provided, single submitter. Criteria: ACMG Guidelines, 2015. Collection method: clinical testing. Allele origin: germline.

Labcorp Genetics (formerly Invitae), Labcorp
Classification: Uncertain significance for Leukocyte adhesion deficiency 1. Last evaluated: 2022-02-19. Review status: criteria provided, single submitter. Criteria: Invitae Variant Classification Sherloc (09022015). Collection method: clinical testing. Allele origin: germline.
Comment: This sequence change replaces glutamic acid, which is acidic and polar, with valine, which is neutral and non-polar, at codon 635 of the ITGB2 protein (p.Glu635Val). This variant is present in population databases (rs374132330, gnomAD 0.01%). This variant has not been reported in the literature in individuals affected with ITGB2-related conditions. ClinVar contains an entry for this variant (Variation ID: 846433). Algorithms developed to predict the effect of missense changes on protein structure and function are either unavailable or do not agree on the potential impact of this missense change (SIFT: "Deleterious"; PolyPhen-2: "Benign"; Align-GVGD: "Class C25"). In summary, the available evidence is currently insufficient to determine the role of this variant in disease. Therefore, it has been classified as a Variant of Uncertain Significance.